The following is an entry in ClinVar:

NM_030665.4(RAI1):c.3859_3860delinsAG (p.Glu1287Arg)

Gene: RAI1 (retinoic acid induced 1; plus strand). Cytogenetic location: 17p11.2.
Variant type: Indel.
Coding change: c.3859_3860delinsAG on transcript NM_030665.4 (MANE Select); coding-DNA positions 3859 to 3860, GA replaced by AG.
Protein change: p.Glu1287Arg; replaces glutamic acid 1287 with arginine.
Molecular consequence: missense variant.
Genome position (GRCh38, 1-based): chr17:17,796,807-17,796,808, GA replaced by AG. VCF-style: chr17-17796807-GA-AG. GRCh37 (hg19) VCF-style: chr17-17700121-GA-AG.
Other names: short protein forms E1287R.
Identifiers: ClinVar variation 2878204 (VCV002878204.3), dbSNP rs2508589235, ClinGen allele CA2739267192.

ClinVar aggregate classification (germline): Uncertain significance (1 of 4 stars; one submission).

Submission:

Labcorp Genetics (formerly Invitae), Labcorp
Classification: Uncertain significance. Last evaluated: 2025-07-02. Review status: criteria provided, single submitter. Criteria: Invitae Variant Classification Sherloc (09022015). Collection method: clinical testing. Allele origin: germline.
Comment: This sequence change replaces glutamic acid, which is acidic and polar, with arginine, which is basic and polar, at codon 1287 of the RAI1 protein (p.Glu1287Arg). Information on the frequency of this variant in the gnomAD database is not available, as this variant may be reported differently in the database. This variant has not been reported in the literature in individuals affected with RAI1-related conditions. ClinVar contains an entry for this variant (Variation ID: 2878204). An algorithm developed to predict the effect of missense changes on protein structure and function (PolyPhen-2) suggests that this variant is likely to be disruptive. In summary, the available evidence is currently insufficient to determine the role of this variant in disease. Therefore, it has been classified as a Variant of Uncertain Significance.